The following is an entry in ClinVar:

NM_172364.5(CACNA2D4):c.2257C>T (p.His753Tyr)

Gene: CACNA2D4 (calcium voltage-gated channel auxiliary subunit alpha2delta 4; minus strand). Cytogenetic location: 12p13.33.
Variant type: single nucleotide variant.
Coding change: c.2257C>T on transcript NM_172364.5 (MANE Select); coding-DNA position 2257, C replaced by T.
Protein change: p.His753Tyr; replaces histidine 753 with tyrosine.
Molecular consequence: missense variant.
Genome position (GRCh38, 1-based): chr12:1,846,679, G>A on the plus strand (C>T on the coding strand, the complement: CACNA2D4 is on the minus strand). VCF-style: chr12-1846679-G-A. GRCh37 (hg19) VCF-style: chr12-1955845-G-A.
Other names: short protein forms H753Y.
Identifiers: ClinVar variation 943508 (VCV000943508.10), dbSNP rs201811189, ClinGen allele CA6386763.
Genomic context (GRCh38, chr12:1,846,679, plus strand): 5'-CGAACAAGCTGCTTCTCAGGAGGCCAGCCCGGGTGCCCAGGAAGGCCATGTCCACCACGT[G>A]TTCAGACTCCCTGTGTGGCAGACAGAGCGGGAATGGTCACCACATGGCTGTGGCAAGAGC-3'
Protein context (NP_758952.4, residues 743-763): LALNMSEESE[His753Tyr]VVDMAFLGTR

ClinVar aggregate classification (germline): Uncertain significance (1 of 4 stars; one submission).

Allele frequency attached by ClinVar (database versions not stated): TOPMed below 0.00001; gnomAD 0.00001 and 0.00002; gnomAD exomes 0.00001; ExAC 0.00002; 1000 Genomes Project 30x 0.00016; 1000 Genomes Project 0.00020.
gnomAD v4.1: 16 of 1,598,298 alleles (0.001%); highest among the groups gnomAD compares: East Asian, 0.018%; no homozygotes.

Submission:

Labcorp Genetics (formerly Invitae), Labcorp
Classification: Uncertain significance. Last evaluated: 2025-06-24. Review status: criteria provided, single submitter. Criteria: Invitae Variant Classification Sherloc (09022015). Collection method: clinical testing. Allele origin: germline.
Comment: This sequence change replaces histidine, which is basic and polar, with tyrosine, which is neutral and polar, at codon 753 of the CACNA2D4 protein (p.His753Tyr). This variant is present in population databases (rs201811189, gnomAD 0.007%). This variant has not been reported in the literature in individuals affected with CACNA2D4-related conditions. ClinVar contains an entry for this variant (Variation ID: 943508). An algorithm developed to predict the effect of missense changes on protein structure and function (PolyPhen-2) suggests that this variant is likely to be tolerated. In summary, the available evidence is currently insufficient to determine the role of this variant in disease. Therefore, it has been classified as a Variant of Uncertain Significance.